The following is an entry in ClinVar:

NM_005732.4(RAD50):c.1051G>C (p.Gly351Arg)

Gene: RAD50 (RAD50 double strand break repair protein; plus strand). Cytogenetic location: 5q31.1.
Variant type: single nucleotide variant.
Coding change: c.1051G>C on transcript NM_005732.4 (MANE Select); coding-DNA position 1051, G replaced by C.
Protein change: p.Gly351Arg; replaces glycine 351 with arginine.
Molecular consequence: missense variant.
Genome position (GRCh38, 1-based): chr5:132,588,089, G>C. VCF-style: chr5-132588089-G-C. GRCh37 (hg19) VCF-style: chr5-131923781-G-C.
Other names: short protein forms G351R.
Identifiers: ClinVar variation 1060907 (VCV001060907.9), dbSNP rs1750629364, ClinGen allele CA360941755.

ClinVar aggregate classification (germline): Uncertain significance (1 of 4 stars; one submission).

Conditions:
Hereditary cancer-predisposing syndrome. Also called: Neoplastic Syndromes, Hereditary; Hereditary Cancer Syndrome; Hereditary neoplastic syndrome; Tumor predisposition. Identifiers: Orphanet 140162, MedGen C0027672, MeSH D009386, MONDO:0015356.

Submission:

Labcorp Genetics (formerly Invitae), Labcorp
Classification: Uncertain significance for Hereditary cancer-predisposing syndrome. Last evaluated: 2024-04-05. Review status: criteria provided, single submitter. Criteria: Invitae Variant Classification Sherloc (09022015). Collection method: clinical testing. Allele origin: germline.
Comment: This sequence change replaces glycine, which is neutral and non-polar, with arginine, which is basic and polar, at codon 351 of the RAD50 protein (p.Gly351Arg). This variant also falls at the last nucleotide of exon 7, which is part of the consensus splice site for this exon. This variant is not present in population databases (gnomAD no frequency). This variant has not been reported in the literature in individuals affected with RAD50-related conditions. ClinVar contains an entry for this variant (Variation ID: 1060907). An algorithm developed to predict the effect of missense changes on protein structure and function (PolyPhen-2) suggests that this variant is likely to be disruptive. Variants that disrupt the consensus splice site are a relatively common cause of aberrant splicing (PMID: 17576681, 9536098). Algorithms developed to predict the effect of sequence changes on RNA splicing suggest that this variant may disrupt the consensus splice site. In summary, the available evidence is currently insufficient to determine the role of this variant in disease. Therefore, it has been classified as a Variant of Uncertain Significance.

Literature cited by the submitters: PubMed 17576681; PubMed 9536098.